The following is an entry in ClinVar:

ClinVar aggregate classification (germline): Pathogenic (1 of 4 stars; one submission).

Conditions:
Myopathy caused by variation in POMGNT1. Identifiers: MedGen CN305639, MONDO:0700068.

Submission:

Myriad Genetics, Inc.
Classification: Pathogenic for Myopathy caused by variation in POMGNT1. Last evaluated: 2024-05-23. Review status: criteria provided, single submitter. Criteria: Myriad Autosomal Dominant, Autosomal Recessive and X-Linked Classification Criteria (2023). Collection method: clinical testing. Allele origin: unknown.
Comment: NM_017739.3(POMGNT1):c.1297dupA(T433Nfs*3) is expected to be pathogenic in the context of POMGNT1-related disorders. This variant is predicted to lead to an abnormal or absent protein product due to the creation of a premature termination codon in POMGNT1, a gene where loss-of-function variants are known to be pathogenic. Please note: this variant was assessed in the context of healthy population screening.

NM_017739.4(POMGNT1):c.1297dup (p.Thr433fs)

Genes: POMGNT1 (protein O-linked mannose N-acetylglucosaminyltransferase 1 (beta 1,2-); minus strand), TSPAN1 (tetraspanin 1; plus strand). Cytogenetic location: 1p34.1.
Variant type: Duplication.
Coding change: c.1297dup on transcript NM_017739.4 (MANE Select); coding-DNA position 1297, one base duplicated (A; older notation c.1297dupA).
Protein change: p.Thr433fs; shifts the reading frame from threonine 433.
Molecular consequence: frameshift variant.
Genome position (GRCh38, 1-based): chr1:46,192,424, T duplicated on the plus strand (A on the coding strand, the reverse complement: POMGNT1 is on the minus strand). VCF-style (leftmost placement, unchanged base first): chr1-46192423-G-GT. GRCh37 (hg19) VCF-style: chr1-46658095-G-GT.
Other names: c.1297dup, p.Thr433fs (NM_001243766.2, NM_001410783.1, NM_001437653.1 and 3 more transcripts); c.1231dup, p.Thr411fs (NM_001290129.3, NM_001438691.1, NM_001438692.1); c.868dup, p.Thr290fs (NM_001290130.2); short protein forms T290fs, T411fs, T433fs.
Identifiers: ClinVar variation 5013103 (VCV005013103.1).